The following is an entry in ClinVar:

ClinVar aggregate classification (germline): Likely benign. Review status: criteria provided, multiple submitters, no conflicts (2 of 4 stars). 2 submissions from 2 submitters: Likely benign (2). Last evaluated 2023-12-01.

Allele frequency attached by ClinVar (database versions not stated): ExAC 0.00001; gnomAD 0.00001.
gnomAD v4.1: 13 of 1,614,018 alleles (0.00081%); highest among the groups gnomAD compares: Admixed American, 0.0017%; no homozygotes.

Submissions (2):

CeGaT Center for Human Genetics Tuebingen
Classification: Likely benign. Last evaluated: 2023-12-01. Review status: criteria provided, single submitter. Criteria: CeGaT Center For Human Genetics Tuebingen Variant Classification Criteria Version 2. Collection method: clinical testing. Allele origin: germline. Affected: yes. Observed: 1 variant allele.
Comment: LONP1: BP4, BP7

Labcorp Genetics (formerly Invitae), Labcorp
Classification: Likely benign. Last evaluated: 2022-05-12. Review status: criteria provided, single submitter. Criteria: Invitae Variant Classification Sherloc (09022015). Collection method: clinical testing. Allele origin: germline.

NM_004793.4(LONP1):c.2511C>G (p.Thr837=)

Gene: LONP1 (lon peptidase 1, mitochondrial; minus strand). Cytogenetic location: 19p13.3.
Variant type: single nucleotide variant.
Coding change: c.2511C>G on transcript NM_004793.4 (MANE Select); coding-DNA position 2511, C replaced by G.
Protein change: p.Thr837=; no amino-acid change (threonine 837 retained).
Molecular consequence: synonymous variant. On other transcripts: non-coding transcript variant (1).
Genome position (GRCh38, 1-based): chr19:5,693,579, G>C on the plus strand (C>G on the coding strand, the complement: LONP1 is on the minus strand). VCF-style: chr19-5693579-G-C. GRCh37 (hg19) VCF-style: chr19-5693590-G-C.
Other names: c.2319C>G, p.Thr773= (NM_001276479.2); c.1923C>G, p.Thr641= (NM_001276480.1).
Identifiers: ClinVar variation 1930615 (VCV001930615.27), dbSNP rs754854745, ClinGen allele CA9114092.
Genomic context (GRCh38, chr19:5,693,579, plus strand): 5'-GCGGGAGCAGGTGGGAGCGGATGGCGCGGTCACCTCGGGCACATGCAGGTGGATGTGTGA[G>C]GTCACCAGGTAGTCATTGGCGGGGGCGTGCTGCATGAGGAAGGCTCTGGCGAAGGTGTAG-3'
Protein context (NP_004784.2, residues 827-847): QHAPANDYLV[Thr837=]SHIHLHVPEG